The following is an entry in ClinVar:

ClinVar aggregate classification (germline): Uncertain significance. Review status: criteria provided, multiple submitters, no conflicts (2 of 4 stars). 3 submissions from 3 submitters: Uncertain significance (3). Last evaluated 2026-08-12.

Conditions:
RPGRIP1L-related disorder. Also called: RPGRIP1L-related condition; RPGRIP1L-related disorders. Identifiers: MedGen CN239416.
Joubert syndrome. Also called: JOUBERT-BOLTSHAUSER SYNDROME; Familial aplasia of the vermis. Identifiers: Orphanet 475, MedGen C5979921, MONDO:0018772.
Meckel-Gruber syndrome. Also called: DYSENCEPHALIA SPLANCHNOCYSTICA; GRUBER SYNDROME; Dysencephalia splachnocystica. Identifiers: Orphanet 564, MedGen C0265215, MONDO:0018921.

Allele frequency attached by ClinVar (database versions not stated): ExAC 0.00005.
gnomAD v4.1: 22 of 1,613,904 alleles (0.0014%); highest among the groups gnomAD compares: South Asian, 0.022%; no homozygotes.

Submissions (3):

PreventionGenetics, part of Exact Sciences
Classification: Uncertain significance for RPGRIP1L-related condition. Last evaluated: 2026-08-12. Review status: criteria provided, single submitter. Criteria: ACMG Guidelines, 2015. Collection method: clinical testing. Allele origin: germline.
Comment: The RPGRIP1L c.2810G>T variant is predicted to result in the amino acid substitution p.Arg937Leu. This variant was reported in a heterozygous state in an individual with an unknown ciliopathy (Khanna et al. 2009. PubMed ID: 19430481). Multiple lines of in vivo experimental studies suggest this variant impacts protein function (Khanna et al. 2009. PubMed ID: 19430481; Jordan et al. 2016. PMID: 26123021). This variant is reported in 0.029% of alleles in individuals of South Asian descent in gnomAD. Although we suspect that this variant may be pathogenic, at this time, the clinical significance of this variant is uncertain due to the absence of conclusive functional and genetic evidence.

Labcorp Genetics (formerly Invitae), Labcorp
Classification: Uncertain significance for Joubert syndrome; Meckel-Gruber syndrome. Last evaluated: 2025-10-22. Review status: criteria provided, single submitter. Criteria: Invitae Variant Classification Sherloc (09022015). Collection method: clinical testing. Allele origin: germline.
Comment: This sequence change replaces arginine, which is basic and polar, with leucine, which is neutral and non-polar, at codon 937 of the RPGRIP1L protein (p.Arg937Leu). This variant is present in population databases (rs776795273, gnomAD 0.03%). This missense change has been observed in individual(s) with RPGRIP1L-related conditions (PMID: 19430481). ClinVar contains an entry for this variant (Variation ID: 1912872). Invitae Evidence Modeling of protein sequence and biophysical properties (such as structural, functional, and spatial information, amino acid conservation, physicochemical variation, residue mobility, and thermodynamic stability) indicates that this missense variant is not expected to disrupt RPGRIP1L protein function with a negative predictive value of 80%. Experimental studies have shown that this missense change affects RPGRIP1L function (PMID: 19430481). In summary, the available evidence is currently insufficient to determine the role of this variant in disease. Therefore, it has been classified as a Variant of Uncertain Significance.

Blueprint Genetics
Classification: Uncertain significance. Last evaluated: 2017-07-13. Review status: criteria provided, single submitter. Criteria: ACMG Guidelines, 2015. Collection method: clinical testing. Allele origin: germline.

Literature cited by the submitters: PubMed 19430481 (cited by Labcorp Genetics (formerly Invitae), Labcorp).

NM_015272.5(RPGRIP1L):c.2810G>T (p.Arg937Leu)

Gene: RPGRIP1L (RPGRIP1 like; minus strand). Cytogenetic location: 16q12.2.
Variant type: single nucleotide variant.
Coding change: c.2810G>T on transcript NM_015272.5 (MANE Select); coding-DNA position 2810, G replaced by T.
Protein change: p.Arg937Leu; replaces arginine 937 with leucine.
Molecular consequence: missense variant.
Genome position (GRCh38, 1-based): chr16:53,641,349, C>A on the plus strand (G>T on the coding strand, the complement: RPGRIP1L is on the minus strand). VCF-style: chr16-53641349-C-A. GRCh37 (hg19) VCF-style: chr16-53675261-C-A.
Other names: c.2810G>T (NM_015272.4); c.2810G>T, p.Arg937Leu (NM_001127897.4, NM_001308334.3, NM_001330538.2); short protein forms R937L.
Identifiers: ClinVar variation 1912872 (VCV001912872.5), dbSNP rs776795273, ClinGen allele CA8057459.